The following is an entry in ClinVar:

NM_001367624.2(ZNF469):c.11808C>T (p.Phe3936=)

Gene: ZNF469 (zinc finger protein 469; plus strand). Cytogenetic location: 16q24.2.
Variant type: single nucleotide variant.
Coding change: c.11808C>T on transcript NM_001367624.2 (MANE Select); coding-DNA position 11808, C replaced by T.
Protein change: p.Phe3936=; no amino-acid change (phenylalanine 3936 retained).
Molecular consequence: synonymous variant.
Genome position (GRCh38, 1-based): chr16:88,439,278, C>T. VCF-style: chr16-88439278-C-T. GRCh37 (hg19) VCF-style: chr16-88505686-C-T.
Other names: NM_001127464.1:c.11724C>T.
Identifiers: ClinVar variation 1209248 (VCV001209248.38), dbSNP rs370915546, ClinGen allele CA8225648.

ClinVar aggregate classification (germline): Likely benign. Review status: criteria provided, multiple submitters, no conflicts (2 of 4 stars). 5 submissions from 5 submitters: Likely benign (5). Last evaluated 2026-01-31.

Conditions:
Cardiovascular phenotype. Identifiers: MedGen CN230736.

Allele frequency attached by ClinVar (database versions not stated): gnomAD 0.00001; gnomAD exomes 0.00004 and 0.00008; ExAC 0.00005; TOPMed 0.00007.
gnomAD v4.1: 79 of 1,550,326 alleles (0.0051%); highest among the groups gnomAD compares: East Asian, 0.015%; no homozygotes.

Submissions (5):

Labcorp Genetics (formerly Invitae), Labcorp
Classification: Likely benign. Last evaluated: 2026-01-31. Review status: criteria provided, single submitter. Criteria: Invitae Variant Classification Sherloc (09022015). Collection method: clinical testing. Allele origin: germline.

Women's Health and Genetics/Laboratory Corporation of America, LabCorp
Classification: Likely benign. Last evaluated: 2025-01-14. Review status: criteria provided, single submitter. Criteria: LabCorp Variant Classification Summary - May 2015. Collection method: clinical testing. Allele origin: germline.

CeGaT Center for Human Genetics Tuebingen
Classification: Likely benign. Last evaluated: 2022-10-01. Review status: criteria provided, single submitter. Criteria: CeGaT Center For Human Genetics Tuebingen Variant Classification Criteria Version 2. Collection method: clinical testing. Allele origin: germline. Affected: yes. Observed: 1 variant allele.
Comment: ZNF469: BP4, BP7

GeneDx
Classification: Likely benign. Last evaluated: 2021-05-11. Review status: criteria provided, single submitter. Criteria: GeneDx Variant Classification Process June 2021. Collection method: clinical testing. Allele origin: germline. Affected: yes.

Ambry Genetics
Classification: Likely benign for Cardiovascular phenotype. Last evaluated: 2019-06-06. Review status: criteria provided, single submitter. Criteria: Ambry Variant Classification Scheme 2023. Collection method: clinical testing. Allele origin: germline.